The following is an entry in ClinVar:

ClinVar aggregate classification (germline): Pathogenic/Likely pathogenic. Review status: criteria provided, multiple submitters, no conflicts (2 of 4 stars). 8 submissions from 8 submitters: Pathogenic (7); Likely pathogenic (1). Last evaluated 2026-01-14.

Conditions:
Cardiovascular phenotype. Identifiers: MedGen CN230736.
Cardiomyopathy (CMYO). Also called: Cardiomyopathies. Identifiers: Orphanet 167848, MedGen C0878544, MONDO:0004994, HP:0001638. Inheritance: Various modes of inheritance.
Hypertrophic cardiomyopathy 1 (CMH1). Also called: Familial hypertrophic cardiomyopathy 1; MYH7-Related Familial Hypertrophic Cardiomyopathy. Identifiers: MedGen C3495498, MONDO:0008647, OMIM 192600.
Primary familial hypertrophic cardiomyopathy (HCM). Identifiers: Orphanet 99739, MedGen C0949658, MeSH D024741, MONDO:0024573. Inheritance: Various modes of inheritance.
Hypertrophic cardiomyopathy. Also called: HYPERTROPHIC MYOCARDIOPATHY. Identifiers: Orphanet 217569, MedGen C0007194, MeSH D002312, MONDO:0005045, HP:0001639.

Allele frequency attached by ClinVar (database versions not stated): ExAC 0.00001; gnomAD exomes below 0.00001; gnomAD 0.00001.
gnomAD v4.1: 3 of 1,613,702 alleles (0.00019%); highest among the groups gnomAD compares: Non-Finnish European, 0.00025%; no homozygotes.

Submissions 1 to 5 of 8:

Labcorp Genetics (formerly Invitae), Labcorp
Classification: Pathogenic for Hypertrophic cardiomyopathy. Last evaluated: 2026-01-14. Review status: criteria provided, single submitter. Criteria: Invitae Variant Classification Sherloc (09022015). Collection method: clinical testing. Allele origin: germline.
Comment: This sequence change replaces arginine, which is basic and polar, with glycine, which is neutral and non-polar, at codon 652 of the MYH7 protein (p.Arg652Gly). This variant is not present in population databases (gnomAD no frequency). This missense change has been observed in individuals with hypertrophic cardiomyopathy (PMID: 22429680, 22765922, 23549607, 27247418, 27532257, 28790153). ClinVar contains an entry for this variant (Variation ID: 177626). An algorithm developed specifically for the MYH7 gene suggests that this missense change is likely to be deleterious (PMID: 21310275). This variant is found within a region of MYH7 between codons 181 and 937 that contains the majority of the myosin head domain. Missense variants in this region have been shown to be significantly overrepresented in individuals with hypertrophic cardiomyopathy (PMID: 27532257). For these reasons, this variant has been classified as Pathogenic.

Ambry Genetics
Classification: Pathogenic for Cardiovascular phenotype. Last evaluated: 2025-12-12. Review status: criteria provided, single submitter. Criteria: Ambry Variant Classification Scheme 2023. Collection method: clinical testing. Allele origin: germline.
Comment: The p.R652G pathogenic mutation (also known as c.1954A>G), located in coding exon 15 of the MYH7 gene, results from an A to G substitution at nucleotide position 1954. The arginine at codon 652 is replaced by glycine, an amino acid with dissimilar properties. This alteration is located in the myosin head domain, which contains a statistically significant clustering of pathogenic missense variants (Homburger JR et al. Proc Natl Acad Sci U S A, 2016 06;113:6701-6; Walsh R et al. Genet Med, 2017 02;19:192-203; Ambry internal data). This alteration was first reported as detected in four affected individuals in one family from a hypertrophic cardiomyopathy (HCM) cohort (Ho CY et al. Circulation, 2002 Jun;105:2992-7). This alteration has also been reported in additional individuals from several HCM cohorts (Olivotto I et al. Mayo Clin. Proc., 2008 Jun;83:630-8; Coto E et al. J Mol Diagn, 2012 Sep;14:518-24; Santos S et al. BMC Med. Genet., 2012 Mar;13:17; Homburger JR et al. Proc. Natl. Acad. Sci. U.S.A., 2016 06;113:6701-6; Walsh R et al. Genet. Med., 2017 Feb;19:192-203; Ingles J et al. Circ Cardiovasc Genet, 2017 Apr;10(2)). Another alteration at the same codon, p.R652K (c.1955G>A), has been reported to segregate with HCM in several families (Antoniutti G et al. Genes (Basel), 2022 Feb;13). This amino acid position is highly conserved in available vertebrate species. In addition, this alteration is predicted to be deleterious by in silico analysis. This variant is considered to be rare based on population cohorts in the Genome Aggregation Database (gnomAD). Based on the supporting evidence, this alteration is interpreted as a disease-causing mutation.

Color Diagnostics, LLC DBA Color Health
Classification: Pathogenic for Cardiomyopathy. Last evaluated: 2025-09-05. Review status: criteria provided, single submitter. Criteria: ACMG Guidelines, 2015. Collection method: clinical testing. Allele origin: germline.
Comment: This missense variant replaces arginine with glycine at codon 652 of the MYH7 protein. This variant is found within a highly conserved region of the myosin head domain. Missense variants in this region have been shown to be significantly overrepresented in individuals with affected with hypertrophic cardiomyopathy (PMID: 27532257). Computational prediction suggests that this variant may have deleterious impact on protein structure and function. To our knowledge, functional studies have not been reported for this variant. This variant has been reported in at least 18 individuals affected with hypertrophic cardiomyopathy (PMID: 12081993, 12081993, 18533079, 22429680, 22765922, 23549607, 27532257, 28790153, 30297972, 32746448, 33495597). This variant has been shown to segregate with disease in a family study (PMID: 12081993). This variant has been identified in 1/251392 chromosomes in the general population by the Genome Aggregation Database (gnomAD). A different missense variant occurring at the same codon, p.Arg652Lys, is known to cause disease (ClinVar variation ID: 1783295), indicating the functional and clinical importance of this position. Based on the available evidence, this p.Arg652Gly variant is classified as Pathogenic.

Women's Health and Genetics/Laboratory Corporation of America, LabCorp
Classification: Pathogenic for Primary familial hypertrophic cardiomyopathy. Last evaluated: 2023-11-22. Review status: criteria provided, single submitter. Criteria: LabCorp Variant Classification Summary - May 2015. Collection method: clinical testing. Allele origin: germline.
Comment: Variant summary: MYH7 c.1954A>G (p.Arg652Gly) is located near a canonical splice site and results in a non-conservative amino acid change located in the myosin head, motor domain (IPR001609) of the encoded protein sequence. Five of five in-silico tools predict a damaging effect of the variant on protein function. Consensus agreement among computation tools predict no significant impact on normal splicing. However, these predictions have yet to be confirmed by functional studies. The variant allele was found at a frequency of 4e-06 in 251392 control chromosomes (gnomAD). c.1954A>G has been reported in the literature in multiple individuals affected with Hypertrophic Cardiomyopathy, including individuals with a positive family history and at least one family in which it segregated with the disease phenotype (e.g. Ho_2002, Olivotto_2008, Coppini_2014, Ross_2017, Walsh_2017, Bagnall_2022). These data indicate that the variant is likely to be associated with disease. To our knowledge, no experimental evidence demonstrating an impact on protein function has been reported. However, a significant clustering of missense pathogenic variants has been identified in the myosin head domain in HCM cases (Walsh_2017) and another variant affecting the same amino acid (p.Arg652Lys) has also been identified in individuals with HCM (HGMD database) and has been classified as pathogenic in ClinVar. The following publications have been ascertained in the context of this evaluation (PMID: 36252119, 25524337, 12081993, 30297972, 18533079, 28615295, 27532257). Five submitters have cited clinical-significance assessments for this variant to ClinVar after 2014. All submitters classified the variant as pathogenic. Based on the evidence outlined above, the variant was classified as pathogenic.

Agnes Ginges Centre for Molecular Cardiology, Centenary Institute
Classification: Pathogenic for Hypertrophic cardiomyopathy 1. Last evaluated: 2019-05-29. Review status: criteria provided, single submitter. Criteria: ACMG Guidelines, 2015. Collection method: research. Allele origin: germline. Inheritance: Autosomal dominant inheritance. Affected: yes.
Comment: This MYH7 Arg652Gly variant has previously been described in several HCM probands (Ho CY et al., 2002; Santos S, et al., 2012; Coto E et al., 2012; Walsh R, et al., 2017). Familial segregation from Ho (2002) identified the variant in 4 affected individuals. We have identified this variant in 2 HCM probands. MYH7 Arg652Gly is absent in the 1000 genomes project, and is a singleton event (MAF= 0.000008) in the Exome Aggregation Consortium dataset. In silico tools SIFT, PolyPhen-2, MutationTaster and CADD predict the variant to be deleterious. In a large HCM population study Walsh et al., showed that MYH7 variants identified in HCM cases were found to cluster between amino acids 181- 937 (2017), this implies that variants in this region are likely to cause a HCM phenotype. Based on the adapted ACMG criteria (Kelly MA, et al., 2018) this variant has been identified in multiple HCM cases (PS4), is located in a mutational hotspot (PM1), is rare in the general population (PM2), segregates with disease (PP1) and in silico tools predict a deleterious effect (PP3), therefore we classify MYH7 Arg652Gly as "pathogenic".

NM_000257.4(MYH7):c.1954A>G (p.Arg652Gly)

Gene: MYH7 (myosin heavy chain 7; minus strand). Cytogenetic location: 14q11.2.
Variant type: single nucleotide variant.
Coding change: c.1954A>G on transcript NM_000257.4 (MANE Select); coding-DNA position 1954, A replaced by G.
Protein change: p.Arg652Gly; replaces arginine 652 with glycine.
Molecular consequence: missense variant.
Genome position (GRCh38, 1-based): chr14:23,427,242, T>C on the plus strand (A>G on the coding strand, the complement: MYH7 is on the minus strand). VCF-style: chr14-23427242-T-C. GRCh37 (hg19) VCF-style: chr14-23896451-T-C.
Other names: short protein forms R652G.
Identifiers: ClinVar variation 177626 (VCV000177626.21), dbSNP rs727504239, ClinGen allele CA011498.
Genomic context (GRCh38, chr14:23,427,242, plus strand): 5'-GGCTGGGTGGGGTTGGGCAGATGGGGAGCCAAGTTGGCTGGGGCTGTGTCCCACTCACCC[T>C]GTGCAGAGCTGACACAGTCTGAAAGGACGAGCCTTTCTTGGCCTTGCCTTTGCCCTTCTC-3'
Protein context (NP_000248.2, residues 642-662): SSFQTVSALH[Arg652Gly]ENLNKLMTNL